The following is an entry in ClinVar:

ClinVar aggregate classification (germline): Likely benign. Review status: criteria provided, multiple submitters, no conflicts (2 of 4 stars). 3 submissions from 3 submitters: Likely benign (3). Last evaluated 2025-07-30.

Conditions:
Hereditary spastic paraplegia 7 (SPG7). Also called: Spastic paraplegia 7; Hereditary spastic paraplegia Paraplegin type; SPASTIC PARAPLEGIA 7, AUTOSOMAL RECESSIVE, WITH OR WITHOUT CEREBELLAR ATAXIA; Autosomal recessive spastic paraplegia type 7; SPG7-related neurologic disorder. Identifiers: Orphanet 99013, MedGen C1846564, MONDO:0011803, OMIM 607259.

Allele frequency attached by ClinVar (database versions not stated): gnomAD exomes 0.00006 and 0.00009; TOPMed 0.00006; ExAC 0.00007; gnomAD 0.00008.
gnomAD v4.1: 94 of 1,612,654 alleles (0.0058%); highest among the groups gnomAD compares: Middle Eastern, 0.017%; no homozygotes.

Submissions (3):

Labcorp Genetics (formerly Invitae), Labcorp
Classification: Likely benign for Hereditary spastic paraplegia 7. Last evaluated: 2025-07-30. Review status: criteria provided, single submitter. Criteria: Invitae Variant Classification Sherloc (09022015). Collection method: clinical testing. Allele origin: germline.

CeGaT Center for Human Genetics Tuebingen
Classification: Likely benign. Last evaluated: 2025-04-01. Review status: criteria provided, single submitter. Criteria: CeGaT Center For Human Genetics Tuebingen Variant Classification Criteria Version 2. Collection method: clinical testing. Allele origin: germline. Affected: yes. Observed: 2 variant alleles.
Comment: SPG7: BP4, BP7

Blueprint Genetics
Classification: Likely benign. Last evaluated: 2024-11-22. Review status: criteria provided, single submitter. Criteria: ACMG Guidelines, 2015. Collection method: clinical testing. Allele origin: germline.

NM_003119.4(SPG7):c.2058C>T (p.Ile686=)

Gene: SPG7 (SPG7 matrix AAA peptidase subunit, paraplegin; plus strand). Cytogenetic location: 16q24.3.
Variant type: single nucleotide variant.
Coding change: c.2058C>T on transcript NM_003119.4 (MANE Select); coding-DNA position 2058, C replaced by T.
Protein change: p.Ile686=; no amino-acid change (isoleucine 686 retained).
Molecular consequence: synonymous variant.
Genome position (GRCh38, 1-based): chr16:89,553,915, C>T. VCF-style: chr16-89553915-C-T. GRCh37 (hg19) VCF-style: chr16-89620323-C-T.
Other names: c.2058C>T, p.Ile686= (NM_001363850.1).
Identifiers: ClinVar variation 1144674 (VCV001144674.32), dbSNP rs776262023, ClinGen allele CA8244517.
Genomic context (GRCh38, chr16:89,553,915, plus strand): 5'-GATGGCACCTGGCATCGGGCCCATCTCCTTCCCTGAGGCGCAGGAGGGCCTCATGGGCAT[C>T]GGGCGGCGCCCCTTCAGCCAAGGCCTGCAGCAGATGATGGACCATGTGAGTCGGCTCTGG-3'
Protein context (NP_003110.1, residues 676-696): FPEAQEGLMG[Ile686=]GRRPFSQGLQ